The following is an entry in ClinVar:

ClinVar aggregate classification (germline): Likely benign (1 of 4 stars; one submission).

Allele frequency attached by ClinVar (database versions not stated): ExAC 0.00002; gnomAD exomes 0.00002; TOPMed 0.00002; gnomAD 0.00003.
gnomAD v4.1: 27 of 1,613,904 alleles (0.0017%); highest among the groups gnomAD compares: East Asian, 0.0067%; no homozygotes.

Submission:

CeGaT Center for Human Genetics Tuebingen
Classification: Likely benign. Last evaluated: 2022-03-01. Review status: criteria provided, single submitter. Criteria: CeGaT Center For Human Genetics Tuebingen Variant Classification Criteria Version 2. Collection method: clinical testing. Allele origin: germline. Affected: yes. Observed: 1 variant allele.
Comment: DNAH3: BP4, BP7

NM_001347886.2(DNAH3):c.8892C>T (p.Gly2964=)

Gene: DNAH3 (dynein axonemal heavy chain 3; minus strand). Cytogenetic location: 16p12.3.
Variant type: single nucleotide variant.
Coding change: c.8892C>T on transcript NM_001347886.2 (MANE Select); coding-DNA position 8892, C replaced by T.
Protein change: p.Gly2964=; no amino-acid change (glycine 2964 retained).
Molecular consequence: synonymous variant.
Genome position (GRCh38, 1-based): chr16:20,964,854, G>A on the plus strand (C>T on the coding strand, the complement: DNAH3 is on the minus strand). VCF-style: chr16-20964854-G-A. GRCh37 (hg19) VCF-style: chr16-20976176-G-A.
Other names: c.9030C>T, p.Gly3010= (NM_017539.2).
Identifiers: ClinVar variation 2646292 (VCV002646292.24), dbSNP rs754879095, ClinGen allele CA7946355.